The following is an entry in ClinVar:

NM_001374736.1(DST):c.11727G>C (p.Gln3909His)

Gene: DST (dystonin; minus strand). Cytogenetic location: 6p12.1.
Variant type: single nucleotide variant.
Coding change: c.11727G>C on transcript NM_001374736.1 (MANE Select); coding-DNA position 11727, G replaced by C.
Protein change: p.Gln3909His; replaces glutamine 3909 with histidine.
Molecular consequence: missense variant.
Genome position (GRCh38, 1-based): chr6:56,598,677, C>G on the plus strand (G>C on the coding strand, the complement: DST is on the minus strand). VCF-style: chr6-56598677-C-G. GRCh37 (hg19) VCF-style: chr6-56463475-C-G.
Other names: c.5370G>C, p.Gln1790His (NM_001144769.5); c.4956G>C, p.Gln1652His (NM_001144770.2); c.11727G>C, p.Gln3909His (NM_001374722.1); c.11094G>C, p.Gln3698His (NM_001374729.1); c.4836G>C, p.Gln1612His (NM_001374730.1, NM_001386100.1, NM_183380.4); c.11754G>C, p.Gln3918His (NM_001374734.1); c.3858G>C, p.Gln1286His (NM_015548.5); short protein forms Q1286H, Q1652H, Q3698H, Q3909H, Q1612H, Q1790H, Q3918H.
Identifiers: ClinVar variation 1945452 (VCV001945452.5), dbSNP rs371995421, ClinGen allele CA3868581.

ClinVar aggregate classification (germline): Uncertain significance (1 of 4 stars; one submission).

Conditions:
Hereditary sensory and autonomic neuropathy type 6. Also called: Neuropathy, hereditary sensory and autonomic, type VI; HSAN VI. Identifiers: Orphanet 314381, MedGen C3539003, MONDO:0013839, OMIM 614653.
Epidermolysis bullosa simplex 3, localized or generalized intermediate, with BP230 deficiency (EBS3). Also called: Epidermolysis bullosa simplex due to BP230 deficiency; Epidermolysis bullosa simplex, autosomal recessive 2. Identifiers: Orphanet 412181, MedGen C3809470, MONDO:0014180, OMIM 615425.

Allele frequency attached by ClinVar (database versions not stated): ExAC 0.00001; gnomAD 0.00001; TOPMed 0.00001; ESP Exome Variant Server 0.00008.
gnomAD v4.1: 1 of 1,603,854 alleles (0.000062%); highest among the groups gnomAD compares: African/African-American, 0.0013%; no homozygotes.

Submission:

Labcorp Genetics (formerly Invitae), Labcorp
Classification: Uncertain significance for Epidermolysis bullosa simplex 3, localized or generalized intermediate, with BP230 deficiency; Hereditary sensory and autonomic neuropathy type 6. Last evaluated: 2022-03-19. Review status: criteria provided, single submitter. Criteria: Invitae Variant Classification Sherloc (09022015). Collection method: clinical testing. Allele origin: germline.
Comment: This variant has not been reported in the literature in individuals affected with DST-related conditions. In summary, the available evidence is currently insufficient to determine the role of this variant in disease. Therefore, it has been classified as a Variant of Uncertain Significance. Experimental studies and prediction algorithms are not available or were not evaluated, and the functional significance of this variant is currently unknown. This variant is present in population databases (rs371995421, gnomAD 0.007%). This sequence change replaces glutamine, which is neutral and polar, with histidine, which is basic and polar, at codon 1286 of the DST protein (p.Gln1286His). The DST gene has multiple clinically relevant transcripts. This variant occurs in alternate transcript NM_015548.4, and corresponds to NM_001723.5:c.*16840G>C in the primary transcript.